The following is an entry in ClinVar:

ClinVar aggregate classification (germline): Uncertain significance. Review status: criteria provided, multiple submitters, no conflicts (2 of 4 stars). 3 submissions from 3 submitters: Uncertain significance (3). Last evaluated 2025-11-24.

Conditions:
Inborn genetic diseases. Identifiers: MedGen C0950123, MeSH D030342.

Allele frequency attached by ClinVar (database versions not stated): gnomAD exomes 0.00001; TOPMed 0.00001; gnomAD 0.00003; ExAC 0.00005; 1000 Genomes Project 30x 0.00031; 1000 Genomes Project 0.00040.
gnomAD v4.1: 17 of 1,605,752 alleles (0.0011%); highest among the groups gnomAD compares: East Asian, 0.038%; no homozygotes.

Submissions (3):

Ambry Genetics
Classification: Uncertain significance for Inborn genetic diseases. Last evaluated: 2025-11-24. Review status: criteria provided, single submitter. Criteria: Ambry Variant Classification Scheme 2023. Collection method: clinical testing. Allele origin: germline.

Labcorp Genetics (formerly Invitae), Labcorp
Classification: Uncertain significance. Last evaluated: 2025-08-07. Review status: criteria provided, single submitter. Criteria: Invitae Variant Classification Sherloc (09022015). Collection method: clinical testing. Allele origin: germline.
Comment: This sequence change replaces asparagine, which is neutral and polar, with isoleucine, which is neutral and non-polar, at codon 852 of the ANKRD26 protein (p.Asn852Ile). The frequency data for this variant in the population databases is considered unreliable, as metrics indicate poor data quality at this position in the gnomAD database. This variant has not been reported in the literature in individuals affected with ANKRD26-related conditions. ClinVar contains an entry for this variant (Variation ID: 2712987). An algorithm developed to predict the effect of missense changes on protein structure and function (PolyPhen-2) suggests that this variant is likely to be tolerated. In summary, the available evidence is currently insufficient to determine the role of this variant in disease. Therefore, it has been classified as a Variant of Uncertain Significance.

GeneDx
Classification: Uncertain significance. Last evaluated: 2024-02-13. Review status: criteria provided, single submitter. Criteria: GeneDx Variant Classification Process June 2021. Collection method: clinical testing. Allele origin: germline. Affected: yes.
Comment: In silico analysis supports that this missense variant has a deleterious effect on protein structure/function; Has not been previously published as pathogenic or benign to our knowledge

NM_014915.3(ANKRD26):c.2555A>T (p.Asn852Ile)

Gene: ANKRD26 (ankyrin repeat domain 26; minus strand). Cytogenetic location: 10p12.1.
Variant type: single nucleotide variant.
Coding change: c.2555A>T on transcript NM_014915.3 (MANE Select); coding-DNA position 2555, A replaced by T.
Protein change: p.Asn852Ile; replaces asparagine 852 with isoleucine.
Molecular consequence: missense variant.
Genome position (GRCh38, 1-based): chr10:27,037,875, T>A on the plus strand (A>T on the coding strand, the complement: ANKRD26 is on the minus strand). VCF-style: chr10-27037875-T-A. GRCh37 (hg19) VCF-style: chr10-27326804-T-A.
Other names: c.2552A>T, p.Asn851Ile (NM_001256053.2); short protein forms N852I, N851I.
Identifiers: ClinVar variation 2712987 (VCV002712987.6), dbSNP rs558412270, ClinGen allele CA5448206.